The following is an entry in ClinVar:

NM_024675.4(PALB2):c.420del (p.Lys140fs)

Gene: PALB2 (partner and localizer of BRCA2; minus strand). Cytogenetic location: 16p12.2.
Variant type: Deletion.
Coding change: c.420del on transcript NM_024675.4 (MANE Select); coding-DNA position 420, one base deleted (G; older notation c.420delG).
Protein change: p.Lys140fs; shifts the reading frame from lysine 140.
Molecular consequence: frameshift variant.
Genome position (GRCh38, 1-based): chr16:23,636,126, C deleted on the plus strand (G on the coding strand, the reverse complement: PALB2 is on the minus strand). VCF-style (leftmost placement, unchanged base first): chr16-23636125-GC-G. GRCh37 (hg19) VCF-style: chr16-23647446-GC-G.
Other names: short protein forms K140fs.
Identifiers: ClinVar variation 1074178 (VCV001074178.10), dbSNP rs2142443848, ClinGen allele CA2499223453.

ClinVar aggregate classification (germline): Pathogenic. Review status: criteria provided, multiple submitters, no conflicts (2 of 4 stars). 2 submissions from 2 submitters: Pathogenic (2). Last evaluated 2022-07-11.

Conditions:
Hereditary cancer-predisposing syndrome. Also called: Tumor predisposition; Hereditary neoplastic syndrome; Neoplastic Syndromes, Hereditary; Hereditary Cancer Syndrome. Identifiers: Orphanet 140162, MedGen C0027672, MeSH D009386, MONDO:0015356.
Familial cancer of breast. Also called: Hereditary breast cancer; hereditary breast carcinoma; BREAST CANCER, FAMILIAL. Identifiers: Orphanet 227535, MedGen C0346153, MONDO:0016419, OMIM 114480. Disease mechanism: loss of function.

Submissions (2):

Color Diagnostics, LLC DBA Color Health
Classification: Pathogenic for Hereditary cancer-predisposing syndrome. Last evaluated: 2022-07-11. Review status: criteria provided, single submitter. Criteria: ACMG Guidelines, 2015. Collection method: clinical testing. Allele origin: germline.
Comment: This variant deletes 1 nucleotide in exon 4 of the PALB2 gene, creating a frameshift and premature translation stop signal. This variant is expected to result in an absent or non-functional protein product. To our knowledge, this variant has not been reported in individuals affected with hereditary cancer in the literature. This variant has not been identified in the general population by the Genome Aggregation Database (gnomAD). Loss of PALB2 function is a known mechanism of disease. Based on the available evidence, this variant is classified as Pathogenic.

Labcorp Genetics (formerly Invitae), Labcorp
Classification: Pathogenic for Familial cancer of breast. Last evaluated: 2020-08-08. Review status: criteria provided, single submitter. Criteria: Invitae Variant Classification Sherloc (09022015). Collection method: clinical testing. Allele origin: germline.
Comment: For these reasons, this variant has been classified as Pathogenic. Loss-of-function variants in PALB2 are known to be pathogenic (PMID: 17200668, 24136930, 25099575). This variant has not been reported in the literature in individuals with PALB2-related conditions. This variant is not present in population databases (ExAC no frequency). This sequence change creates a premature translational stop signal (p.Lys140Asnfs*37) in the PALB2 gene. It is expected to result in an absent or disrupted protein product.

Literature cited by the submitters: PubMed 17200668 (cited by Labcorp Genetics (formerly Invitae), Labcorp); PubMed 24136930 (cited by Labcorp Genetics (formerly Invitae), Labcorp); PubMed 25099575 (cited by Labcorp Genetics (formerly Invitae), Labcorp).